The following is an entry in ClinVar:

ClinVar aggregate classification (germline): Conflicting classifications of pathogenicity. Review status: criteria provided, conflicting classifications (1 of 4 stars). 2 submissions from 2 submitters: Likely pathogenic (1); Uncertain significance (1). Last evaluated 2023-12-13.

Conditions:
Familial hypocalciuric hypercalcemia (FHH). Also called: Familial benign hypercalcemia. Identifiers: Orphanet 405, MedGen C1809471, MONDO:0018458.
Autosomal dominant hypocalcemia 1 (HYPOC1). Also called: HYPOCALCEMIA, FAMILIAL. Identifiers: MedGen C3715128, MONDO:0011013, OMIM 601198.

Submissions (2):

Labcorp Genetics (formerly Invitae), Labcorp
Classification: Uncertain significance for Familial hypocalciuric hypercalcemia; Autosomal dominant hypocalcemia 1. Last evaluated: 2023-12-13. Review status: criteria provided, single submitter. Criteria: Invitae Variant Classification Sherloc (09022015). Collection method: clinical testing. Allele origin: germline.
Comment: This sequence change replaces glutamic acid, which is acidic and polar, with alanine, which is neutral and non-polar, at codon 353 of the CASR protein (p.Glu353Ala). This variant is not present in population databases (gnomAD no frequency). This variant has not been reported in the literature in individuals affected with CASR-related conditions. ClinVar contains an entry for this variant (Variation ID: 35773). An algorithm developed to predict the effect of missense changes on protein structure and function (PolyPhen-2) suggests that this variant is likely to be disruptive. In summary, the available evidence is currently insufficient to determine the role of this variant in disease. Therefore, it has been classified as a Variant of Uncertain Significance.

Women's Health and Genetics/Laboratory Corporation of America, LabCorp
Classification: Likely pathogenic for Familial Hypocalciuric Hypercalcemia. Last evaluated: 2011-08-18. Review status: criteria provided, single submitter. Criteria: LabCorp Variant Classification Summary - May 2015. Collection method: curation, clinical testing. Allele origin: germline. Inheritance: autosomal unknown. Affected: yes.
ClinVar note: Converted during submission from likely pathogenic to Likely pathogenic.

NM_000388.4(CASR):c.1058A>C (p.Glu353Ala)

Gene: CASR (calcium sensing receptor; plus strand). Cytogenetic location: 3q21.1.
Variant type: single nucleotide variant.
Coding change: c.1058A>C on transcript NM_000388.4 (MANE Select); coding-DNA position 1058, A replaced by C.
Protein change: p.Glu353Ala; replaces glutamic acid 353 with alanine.
Molecular consequence: missense variant.
Genome position (GRCh38, 1-based): chr3:122,262,093, A>C. VCF-style: chr3-122262093-A-C. GRCh37 (hg19) VCF-style: chr3-121980940-A-C.
Other names: c.1058A>C, p.Glu353Ala (NM_001178065.2); short protein forms E353A.
Identifiers: ClinVar variation 35773 (VCV000035773.10), dbSNP rs193922419, ClinGen allele CA213557.